The following is an entry in ClinVar:

ClinVar aggregate classification (germline): Uncertain significance (1 of 4 stars; one submission).

Allele frequency attached by ClinVar (database versions not stated): gnomAD 0.00001; gnomAD exomes 0.00002; ExAC 0.00009.
gnomAD v4.1: 12 of 1,532,946 alleles (0.00078%); highest among the groups gnomAD compares: Admixed American, 0.0039%; no homozygotes.

Submission:

Labcorp Genetics (formerly Invitae), Labcorp
Classification: Uncertain significance. Last evaluated: 2022-11-22. Review status: criteria provided, single submitter. Criteria: Invitae Variant Classification Sherloc (09022015). Collection method: clinical testing. Allele origin: germline.
Comment: In summary, the available evidence is currently insufficient to determine the role of this variant in disease. Therefore, it has been classified as a Variant of Uncertain Significance. Variants that disrupt the consensus splice site are a relatively common cause of aberrant splicing (PMID: 17576681, 9536098). Algorithms developed to predict the effect of sequence changes on RNA splicing suggest that this variant may disrupt the consensus splice site. ClinVar contains an entry for this variant (Variation ID: 1481982). This variant has not been reported in the literature in individuals affected with CDHR1-related conditions. This variant is present in population databases (rs777630035, gnomAD 0.004%). This sequence change falls in intron 1 of the CDHR1 gene. It does not directly change the encoded amino acid sequence of the CDHR1 protein. It affects a nucleotide within the consensus splice site.

Literature cited by the submitters: PubMed 17576681; PubMed 9536098.

NM_033100.4(CDHR1):c.55+5G>A

Gene: CDHR1 (cadherin related family member 1; plus strand). Cytogenetic location: 10q23.1.
Variant type: single nucleotide variant.
Coding change: c.55+5G>A on transcript NM_033100.4 (MANE Select); 5 bases into the intron after coding-DNA position 55, G replaced by A.
Molecular consequence: intron variant.
Genome position (GRCh38, 1-based): chr10:84,194,820, G>A. VCF-style: chr10-84194820-G-A. GRCh37 (hg19) VCF-style: chr10-85954576-G-A.
Other names: c.55+5G>A (NM_001171971.3).
Identifiers: ClinVar variation 1481982 (VCV001481982.4), dbSNP rs777630035, ClinGen allele CA5579381.